The following is an entry in ClinVar:

NM_021615.5(CHST6):c.601_621del (p.Val201_Val207del)

Gene: CHST6 (carbohydrate sulfotransferase 6; minus strand). Cytogenetic location: 16q23.1.
Variant type: Deletion.
Coding change: c.601_621del on transcript NM_021615.5 (MANE Select); coding-DNA positions 601 to 621, 21 bases deleted (GTGCGCGACCCGCGGGCCGTG).
Protein change: p.Val201_Val207del.
Molecular consequence: inframe deletion.
Genome position (GRCh38, 1-based): chr16:75,479,208-75,479,228, CACGGCCCGCGGGTCGCGCAC deleted on the plus strand (GTGCGCGACCCGCGGGCCGTG on the coding strand, the reverse complement: CHST6 is on the minus strand); deleting any 21 consecutive bases within chr16:75,479,208-75,479,230 gives the same sequence; the c. name uses the placement nearest the transcript's 3' end. VCF-style (leftmost placement, unchanged base first): chr16-75479207-GCACGGCCCGCGGGTCGCGCAC-G. GRCh37 (hg19) VCF-style: chr16-75513105-GCACGGCCCGCGGGTCGCGCAC-G.
Identifiers: ClinVar variation 2114380 (VCV002114380.4), dbSNP rs2080106267, ClinGen allele CA2233372352.

ClinVar aggregate classification (germline): Pathogenic (1 of 4 stars; one submission).

Conditions:
Macular corneal dystrophy (MCD). Also called: GROENOUW TYPE II CORNEAL DYSTROPHY; Macular corneal dystrophy Type I. Identifiers: Orphanet 98969, MedGen C1636149, MONDO:0009020, OMIM 217800.

Submission:

Labcorp Genetics (formerly Invitae), Labcorp
Classification: Pathogenic for Macular corneal dystrophy. Last evaluated: 2022-08-16. Review status: criteria provided, single submitter. Criteria: Invitae Variant Classification Sherloc (09022015). Collection method: clinical testing. Allele origin: germline.
Comment: This variant has not been reported in the literature in individuals affected with CHST6-related conditions. This variant disrupts a region of the CHST6 protein in which other variant(s) (p.Arg205Trp) have been determined to be pathogenic (PMID: 20539220, 24311932, 29221207, 33816482). This suggests that this is a clinically significant region of the protein, and that variants that disrupt it are likely to be disease-causing. For these reasons, this variant has been classified as Pathogenic. This variant, c.601_621del, results in the deletion of 7 amino acid(s) of the CHST6 protein (p.Val201_Val207del), but otherwise preserves the integrity of the reading frame. This variant is not present in population databases (gnomAD no frequency).

Literature cited by the submitters: PubMed 20539220; PubMed 24311932; PubMed 29221207; PubMed 33816482.